The following is an entry in ClinVar:

ClinVar aggregate classification (germline): Uncertain significance (1 of 4 stars; one submission).

Submission:

Athena Diagnostics
Classification: Uncertain significance. Last evaluated: 2024-10-30. Review status: criteria provided, single submitter. Criteria: Athena Diagnostics Criteria. Collection method: clinical testing. Allele origin: unknown.
Comment: Available data are insufficient to determine the clinical significance of the variant at this time. This variant has not been reported in large, multi-ethnic general populations. Computational tools yielded predictions that this variant may interfere with normal RNA splicing.

NM_003482.4(KMT2D):c.14251+5G>T

Gene: KMT2D (lysine methyltransferase 2D; minus strand). Cytogenetic location: 12q13.12.
Variant type: single nucleotide variant.
Coding change: c.14251+5G>T on transcript NM_003482.4 (MANE Select); 5 bases into the intron after coding-DNA position 14251, G replaced by T.
Molecular consequence: intron variant.
Genome position (GRCh38, 1-based): chr12:49,029,056, C>A on the plus strand (G>T on the coding strand, the complement: KMT2D is on the minus strand). VCF-style: chr12-49029056-C-A. GRCh37 (hg19) VCF-style: chr12-49422839-C-A.
Identifiers: ClinVar variation 3571987 (VCV003571987.1).
Genomic context (GRCh38, chr12:49,029,056, plus strand): 5'-CCTCTCCCCCAGCTTCGGACAACCCAGGTGAACTGGGCCTGGCCCACATCCAGAGTAGCA[C>A]ATACCTGGGATGCTGGCCCGAGGAATGAGGGGGATGACAGGGGAGAGGGCCCGGTCCTCT-3'